The following is an entry in ClinVar:

ClinVar aggregate classification (germline): Likely benign. Review status: criteria provided, multiple submitters, no conflicts (2 of 4 stars). 3 submissions from 3 submitters: Likely benign (2). 1 of the submissions does not count toward it. Last evaluated 2025-12-03.

Conditions:
TEK-related disorder. Also called: TEK-related condition.

Allele frequency attached by ClinVar (database versions not stated): ExAC 0.00008; ESP Exome Variant Server 0.00015; gnomAD 0.00015; TOPMed 0.00016.
gnomAD v4.1: 259 of 1,603,528 alleles (0.016%); highest among the groups gnomAD compares: Middle Eastern, 0.082%; no homozygotes.

Submissions (3):

Labcorp Genetics (formerly Invitae), Labcorp
Classification: Likely benign. Last evaluated: 2025-12-03. Review status: criteria provided, single submitter. Criteria: Invitae Variant Classification Sherloc (09022015). Collection method: clinical testing. Allele origin: germline.

Blueprint Genetics
Classification: Likely benign. Last evaluated: 2024-06-25. Review status: criteria provided, single submitter. Criteria: ACMG Guidelines, 2015. Collection method: clinical testing. Allele origin: germline.

PreventionGenetics, part of Exact Sciences
Classification: Likely benign for TEK-related condition. Last evaluated: 2020-03-03. Review status: no assertion criteria provided. Collection method: clinical testing. Allele origin: germline. Not counted in ClinVar's aggregate classification.
Comment: This variant is classified as likely benign based on ACMG/AMP sequence variant interpretation guidelines (Richards et al. 2015 PMID: 25741868, with internal and published modifications).

NM_000459.5(TEK):c.2576-8C>T

Gene: TEK (TEK receptor tyrosine kinase; plus strand). Cytogenetic location: 9p21.2.
Variant type: single nucleotide variant.
Coding change: c.2576-8C>T on transcript NM_000459.5 (MANE Select); 8 bases into the intron before coding-DNA position 2576, C replaced by T.
Molecular consequence: intron variant.
Genome position (GRCh38, 1-based): chr9:27,209,113, C>T. VCF-style: chr9-27209113-C-T. GRCh37 (hg19) VCF-style: chr9-27209111-C-T.
Other names: c.2447-8C>T (NM_001290077.2); c.2132-8C>T (NM_001290078.2); c.2573-8C>T (NM_001375475.1); c.2444-8C>T (NM_001375476.1).
Identifiers: ClinVar variation 2060952 (VCV002060952.7), dbSNP rs367735464, ClinGen allele CA5016536.